The following is an entry in ClinVar:

ClinVar aggregate classification (germline): Uncertain significance (1 of 4 stars; one submission).

Conditions:
Epilepsy. Also called: Seizure disorder. Identifiers: MedGen C0014544, MeSH D004827, MONDO:0005027.

Allele frequency attached by ClinVar (database versions not stated): gnomAD 0.00001; TOPMed 0.00002.
gnomAD v4.1: 2 of 1,606,212 alleles (0.00012%); highest among the groups gnomAD compares: African/African-American, 0.0027%; no homozygotes.

Submission:

Labcorp Genetics (formerly Invitae), Labcorp
Classification: Uncertain significance for Epilepsy. Last evaluated: 2022-04-01. Review status: criteria provided, single submitter. Criteria: Invitae Variant Classification Sherloc (09022015). Collection method: clinical testing. Allele origin: germline.
Comment: In summary, the available evidence is currently insufficient to determine the role of this variant in disease. Therefore, it has been classified as a Variant of Uncertain Significance. Algorithms developed to predict the effect of missense changes on protein structure and function are either unavailable or do not agree on the potential impact of this missense change (SIFT: "Deleterious"; PolyPhen-2: "Benign"; Align-GVGD: "Class C0"). This variant has not been reported in the literature in individuals affected with PIGQ-related conditions. This variant is not present in population databases (gnomAD no frequency). This sequence change replaces leucine, which is neutral and non-polar, with phenylalanine, which is neutral and non-polar, at codon 201 of the PIGQ protein (p.Leu201Phe).

NM_004204.5(PIGQ):c.601C>T (p.Leu201Phe)

Gene: PIGQ (phosphatidylinositol glycan anchor biosynthesis class Q; plus strand). Cytogenetic location: 16p13.3.
Variant type: single nucleotide variant.
Coding change: c.601C>T on transcript NM_004204.5 (MANE Select); coding-DNA position 601, C replaced by T.
Protein change: p.Leu201Phe; replaces leucine 201 with phenylalanine.
Molecular consequence: missense variant.
Genome position (GRCh38, 1-based): chr16:574,675, C>T. VCF-style: chr16-574675-C-T. GRCh37 (hg19) VCF-style: chr16-624675-C-T.
Other names: c.601C>T, p.Leu201Phe (NM_148920.4); short protein forms L201F.
Identifiers: ClinVar variation 1348105 (VCV001348105.6), dbSNP rs1415009669, ClinGen allele CA394049621.